The following is an entry in ClinVar:

ClinVar aggregate classification (germline): Uncertain significance (1 of 4 stars; one submission).

Submission:

GeneDx
Classification: Uncertain significance. Last evaluated: 2026-03-05. Review status: criteria provided, single submitter. Criteria: GeneDx Variant Classification Process June 2021. Collection method: clinical testing. Allele origin: germline.
Comment: Frameshift variant predicted to result in protein truncation or nonsense mediated decay in a gene or region of a gene for which loss of function is not a well-established mechanism of disease; Has not been previously published as pathogenic or benign to our knowledge; Not observed at significant frequency in large population cohorts (gnomAD)

NM_001366145.2(TRPM3):c.2271_2272dup (p.Asp758fs)

Gene: TRPM3 (transient receptor potential cation channel subfamily M member 3; minus strand). Cytogenetic location: 9q21.12.
Variant type: Microsatellite.
Coding change: c.2271_2272dup on transcript NM_001366145.2 (MANE Select); coding-DNA positions 2271 to 2272, 2 bases duplicated (CG; older notation c.2271_2272dupCG).
Protein change: p.Asp758fs; shifts the reading frame from aspartic acid 758.
Molecular consequence: frameshift variant.
Genome position (GRCh38, 1-based): chr9:70,618,953-70,618,954, CG duplicated on the plus strand (CG on the coding strand, the reverse complement: TRPM3 is on the minus strand); duplicating any 2 consecutive bases within chr9:70,618,953-70,618,956 gives the same sequence; the c. name uses the placement nearest the transcript's 3' end. VCF-style (leftmost placement, unchanged base first): chr9-70618952-T-TCG. GRCh37 (hg19) VCF-style: chr9-73233868-T-TCG.
Other names: c.2235_2236dup, p.Asp746fs (NM_001007471.4, NM_001366151.2); c.2241_2242dup, p.Asp748fs (NM_001366141.2, NM_001366143.2, NM_001366149.2); c.2277_2278dup, p.Asp760fs (NM_001366142.2); c.2271_2272dup, p.Asp758fs (NM_001366146.2); c.2346_2347dup, p.Asp783fs (NM_001366147.2, NM_001366152.2); c.2316_2317dup, p.Asp773fs (NM_001366148.2); c.2205_2206dup, p.Asp736fs (NM_001366150.2); c.1812_1813dup, p.Asp605fs (NM_001366154.2, NM_024971.7); and 5 more; short protein forms D595fs, D605fs, D618fs, D746fs, D583fs, D593fs, D736fs, D748fs.
Identifiers: ClinVar variation 5008629 (VCV005008629.1).